The following is an entry in ClinVar:

ClinVar aggregate classification (germline): Uncertain significance (1 of 4 stars; one submission).

Conditions:
Charcot-Marie-Tooth disease, type I (CMT1). Also called: Charcot-Marie-Tooth, Type 1; Charcot-Marie-Tooth disease type 1. Identifiers: Orphanet 65753, MedGen C0751036, MONDO:0019011.

Submission:

Labcorp Genetics (formerly Invitae), Labcorp
Classification: Uncertain significance for Charcot-Marie-Tooth disease, type I. Last evaluated: 2024-03-16. Review status: criteria provided, single submitter. Criteria: Invitae Variant Classification Sherloc (09022015). Collection method: clinical testing. Allele origin: germline.
Comment: This sequence change falls in intron 1 of the MPZ gene. It does not directly change the encoded amino acid sequence of the MPZ protein. This variant is not present in population databases (gnomAD no frequency). This variant has not been reported in the literature in individuals affected with MPZ-related conditions. Algorithms developed to predict the effect of sequence changes on RNA splicing suggest that this variant may create or strengthen a splice site. In summary, the available evidence is currently insufficient to determine the role of this variant in disease. Therefore, it has been classified as a Variant of Uncertain Significance.

NM_000530.8(MPZ):c.68-12T>G

Gene: MPZ (myelin protein zero; minus strand). Cytogenetic location: 1q23.3.
Variant type: single nucleotide variant.
Coding change: c.68-12T>G on transcript NM_000530.8 (MANE Select); 12 bases into the intron before coding-DNA position 68, T replaced by G.
Molecular consequence: intron variant.
Genome position (GRCh38, 1-based): chr1:161,307,436, A>C on the plus strand (T>G on the coding strand, the complement: MPZ is on the minus strand). VCF-style: chr1-161307436-A-C. GRCh37 (hg19) VCF-style: chr1-161277226-A-C.
Other names: c.68-12T>G (NM_001315491.2).
Identifiers: ClinVar variation 3646164 (VCV003646164.2).
Genomic context (GRCh38, chr1:161,307,436, plus strand): 5'-TGGACCTCCCTGTCGGTGTAAACCACGATGGCCTGGGCCGGGGACAGCACTGCAAGCACA[A>C]AGTGGGGAATCAGATGCACCTATGGGCCCAGTAAGGGATACAGAGGAAGTGAGATCAGTA-3'